The following is an entry in ClinVar:

NM_004656.4(BAP1):c.1546C>T (p.Pro516Ser)

Gene: BAP1 (BRCA1 associated deubiquitinase 1; minus strand). Cytogenetic location: 3p21.1.
Variant type: single nucleotide variant.
Coding change: c.1546C>T on transcript NM_004656.4 (MANE Select); coding-DNA position 1546, C replaced by T.
Protein change: p.Pro516Ser; replaces proline 516 with serine.
Molecular consequence: missense variant.
Genome position (GRCh38, 1-based): chr3:52,403,599, G>A on the plus strand (C>T on the coding strand, the complement: BAP1 is on the minus strand). VCF-style: chr3-52403599-G-A. GRCh37 (hg19) VCF-style: chr3-52437615-G-A.
Other names: short protein forms P516S.
Identifiers: ClinVar variation 1171301 (VCV001171301.3), dbSNP rs2153226673, ClinGen allele CA353100739.

ClinVar aggregate classification (germline): Uncertain significance (1 of 4 stars; one submission).

Conditions:
Hereditary cancer-predisposing syndrome. Also called: Tumor predisposition; Hereditary neoplastic syndrome; Hereditary Cancer Syndrome; Neoplastic Syndromes, Hereditary. Identifiers: Orphanet 140162, MedGen C0027672, MeSH D009386, MONDO:0015356.

Submission:

Color Diagnostics, LLC DBA Color Health
Classification: Uncertain significance for Hereditary cancer-predisposing syndrome. Last evaluated: 2024-03-06. Review status: criteria provided, single submitter. Criteria: ACMG Guidelines, 2015. Collection method: clinical testing. Allele origin: germline.
Comment: This missense variant replaces proline with serine at codon 516 of the BAP1 protein. Computational prediction suggests that this variant may not impact protein structure and function (internally defined REVEL score threshold <= 0.5, PMID: 27666373). To our knowledge, functional studies have not been reported for this variant. This variant has not been reported in individuals affected with hereditary cancer in the literature. This variant has not been identified in the general population by the Genome Aggregation Database (gnomAD). The available evidence is insufficient to determine the role of this variant in disease conclusively. Therefore, this variant is classified as a Variant of Uncertain Significance.